The following is an entry in ClinVar:

ClinVar aggregate classification (germline): Conflicting classifications of pathogenicity. Review status: criteria provided, conflicting classifications (1 of 4 stars). 3 submissions from 3 submitters: Uncertain significance (1); Likely benign (2). Last evaluated 2026-02-01.

Conditions:
Autosomal recessive limb-girdle muscular dystrophy type 2Q (LGMDR17). Also called: MUSCULAR DYSTROPHY, LIMB-GIRDLE, AUTOSOMAL RECESSIVE 17. Identifiers: Orphanet 254361, MedGen C3150989, MONDO:0013390, OMIM 613723.
Epidermolysis bullosa simplex 5C, with pyloric atresia (EBS5C). Also called: Epidermolysis bullosa simplex with pyloric atresia; PLEC-Related Epidermolysis Bullosa with Pyloric Atresia; PLEC1-Related Epidermolysis Bullosa with Pyloric Atresia. Identifiers: Orphanet 158684, MedGen C2677349, MONDO:0012807, OMIM 612138.
Epidermolysis bullosa simplex 5B, with muscular dystrophy (EBS5B). Also called: EPIDERMOLYSIS BULLOSA SIMPLEX AND LIMB-GIRDLE MUSCULAR DYSTROPHY; Epidermolysis bullosa simplex with muscular dystrophy. Identifiers: Orphanet 257, MedGen C2931072, MONDO:0009181, OMIM 226670.
Epidermolysis bullosa simplex with nail dystrophy (EBS5D). Identifiers: MedGen C4225309, MONDO:0014661, OMIM 616487.
Epidermolysis bullosa simplex, Ogna type (EBS5A). Also called: Pidermolysis bullosa simplex 5A, Ogna type; EPIDERMOLYSIS BULLOSA SIMPLEX 5A, OGNA TYPE. Identifiers: Orphanet 79401, MedGen C0432317, MONDO:0007555, OMIM 131950.

Allele frequency attached by ClinVar (database versions not stated): gnomAD 0.00003 and 0.00004; ExAC 0.00005; gnomAD exomes 0.00005; TOPMed 0.00006.
gnomAD v4.1: 71 of 1,576,730 alleles (0.0045%); highest among the groups gnomAD compares: Middle Eastern, 0.07%; no homozygotes.

Submissions (3):

Labcorp Genetics (formerly Invitae), Labcorp
Classification: Likely benign for Autosomal recessive limb-girdle muscular dystrophy type 2Q; Epidermolysis bullosa simplex, Ogna type; Epidermolysis bullosa simplex with nail dystrophy; Epidermolysis bullosa simplex 5C, with pyloric atresia; Epidermolysis bullosa simplex 5B, with muscular dystrophy. Last evaluated: 2026-02-01. Review status: criteria provided, single submitter. Criteria: Invitae Variant Classification Sherloc (09022015). Collection method: clinical testing. Allele origin: germline.

Eurofins Ntd Llc (ga)
Classification: Uncertain significance. Last evaluated: 2018-03-08. Review status: criteria provided, single submitter. Criteria: EGL ClinVar v180209 classification definitions. Collection method: clinical testing. Allele origin: germline. Observed: 1 variant allele, 1 heterozygote.

GeneDx
Classification: Likely benign. Last evaluated: 2017-11-30. Review status: criteria provided, single submitter. Criteria: GeneDx Variant Classification (06012015). Collection method: clinical testing. Allele origin: germline. Affected: yes.
Comment: This variant is considered likely benign or benign based on one or more of the following criteria: it is a conservative change, it occurs at a poorly conserved position in the protein, it is predicted to be benign by multiple in silico algorithms, and/or has population frequency not consistent with disease.

NM_201384.3(PLEC):c.4137C>T (p.His1379=)

Gene: PLEC (plectin; minus strand). Cytogenetic location: 8q24.3.
Variant type: single nucleotide variant.
Coding change: c.4137C>T on transcript NM_201384.3 (MANE Select); coding-DNA position 4137, C replaced by T.
Protein change: p.His1379=; no amino-acid change (histidine 1379 retained).
Molecular consequence: synonymous variant.
Genome position (GRCh38, 1-based): chr8:143,925,792, G>A on the plus strand (C>T on the coding strand, the complement: PLEC is on the minus strand). VCF-style: chr8-143925792-G-A. GRCh37 (hg19) VCF-style: chr8-144999960-G-A.
Other names: c.4218C>T, p.His1406= (NM_000445.5); c.4095C>T, p.His1365= (NM_201378.4); c.4071C>T, p.His1357= (NM_201379.3); c.4548C>T, p.His1516= (NM_201380.4); c.4041C>T, p.His1347= (NM_201381.3); c.4137C>T, p.His1379= (NM_201382.4); c.4149C>T, p.His1383= (NM_201383.3).
Identifiers: ClinVar variation 513477 (VCV000513477.12), dbSNP rs782222813, ClinGen allele CA4926757.